The following is an entry in ClinVar:

NC_012920.1(MT-TM):m.4418T>C

Gene: MT-TM (mitochondrially encoded tRNA methionine; plus strand).
Variant type: single nucleotide variant.
Genome position: chrM-4418-T-C.
Identifiers: ClinVar variation 689910 (VCV000689910.1), dbSNP rs1556422856, ClinGen allele CA913178085.
Genomic context (GRCh38, chrMT:4,418, plus strand): 5'-GAGAATCCAAAATTCTCCGTGCCACCTATCACACCCCATCCTAAAGTAAGGTCAGCTAAA[T>C]AAGCTATCGGGCCCATACCCCGAAAATGTTGGTTATACCCTTCCCGTACTAATTAATCCC-3'

ClinVar aggregate classification (germline): Benign (1 of 4 stars; one submission).

Conditions:
MELAS syndrome (MELAS). Also called: Juvenile myopathy, encephalopathy, lactic acidosis, stroke. Identifiers: Orphanet 550, MedGen C0162671, MONDO:0010789, OMIM 540000.

Submission:

Wong Mito Lab, Molecular and Human Genetics, Baylor College of Medicine
Classification: Benign for MELAS syndrome. Last evaluated: 2019-07-12. Review status: criteria provided, single submitter. Criteria: Modified ACMG Guidelines (Unpublished). Collection method: clinical testing. Allele origin: germline.
Comment: The NC_012920.1:m.4418T>C variant in MT-TM gene is interpreted to be a Benign variant based on the modified ACMG guidelines (unpublished). This variant meets the following evidence codes reported in the guidelines: BS1, BS4, BP4

Literature cited by the submitters: PubMed 31965079.